The following is an entry in ClinVar:

ClinVar aggregate classification (germline): Pathogenic. Review status: criteria provided, multiple submitters, no conflicts (2 of 4 stars). 2 submissions from 2 submitters: Pathogenic (2). Last evaluated 2024-05-08.

Conditions:
Alagille syndrome due to a JAG1 point mutation. Also called: Alagille Syndrome 1; JAG1-Related Alagille Syndrome; HEPATIC DUCTULAR HYPOPLASIA, SYNDROMATIC. Identifiers: Orphanet 261619, Orphanet 52, MedGen C1956125, MONDO:0016862, OMIM 118450.

Submissions (2):

Labcorp Genetics (formerly Invitae), Labcorp
Classification: Pathogenic for Alagille syndrome due to a JAG1 point mutation. Last evaluated: 2024-05-08. Review status: criteria provided, single submitter. Criteria: Invitae Variant Classification Sherloc (09022015). Collection method: clinical testing. Allele origin: germline.
Comment: This sequence change creates a premature translational stop signal (p.Trp442*) in the JAG1 gene. It is expected to result in an absent or disrupted protein product. Loss-of-function variants in JAG1 are known to be pathogenic (PMID: 11180599). This variant is not present in population databases (gnomAD no frequency). This premature translational stop signal has been observed in individual(s) with Alagille syndrome (PMID: 16575836). ClinVar contains an entry for this variant (Variation ID: 593615). For these reasons, this variant has been classified as Pathogenic.

Eurofins Ntd Llc (ga)
Classification: Pathogenic. Last evaluated: 2017-08-11. Review status: criteria provided, single submitter. Criteria: EGL Classification Definitions 2015. Collection method: clinical testing. Allele origin: germline. Observed: 1 variant allele, 1 heterozygote.

Literature cited by the submitters: PubMed 11180599 (cited by Labcorp Genetics (formerly Invitae), Labcorp); PubMed 16575836 (cited by Labcorp Genetics (formerly Invitae), Labcorp).

NM_000214.3(JAG1):c.1325G>A (p.Trp442Ter)

Gene: JAG1 (jagged canonical Notch ligand 1; minus strand). Cytogenetic location: 20p12.2.
Variant type: single nucleotide variant.
Coding change: c.1325G>A on transcript NM_000214.3 (MANE Select); coding-DNA position 1325, G replaced by A.
Protein change: p.Trp442Ter; replaces tryptophan 442 with a stop codon.
Molecular consequence: nonsense.
Genome position (GRCh38, 1-based): chr20:10,649,545, C>T on the plus strand (G>A on the coding strand, the complement: JAG1 is on the minus strand). VCF-style: chr20-10649545-C-T. GRCh37 (hg19) VCF-style: chr20-10630193-C-T.
Other names: c.1325G>A, p.Trp442Ter (LRG_1191t1); short protein forms W442*.
Identifiers: ClinVar variation 593615 (VCV000593615.8), dbSNP rs1568796883, ClinGen allele CA408238138.